The following is an entry in ClinVar:

ClinVar aggregate classification (germline): Pathogenic. Review status: criteria provided, multiple submitters, no conflicts (2 of 4 stars). 2 submissions from 2 submitters: Pathogenic (2). Last evaluated 2023-08-02.

Conditions:
Androgen resistance syndrome (AIS). Also called: ANDROGEN RECEPTOR DEFICIENCY; DIHYDROTESTOSTERONE RECEPTOR DEFICIENCY; Androgen insensitivity syndrome; TESTICULAR FEMINIZATION SYNDROME; Androgen insensitivity; Androgen insensitivity syndrome due to coactivator deficiency. Identifiers: Orphanet 754, Orphanet 99429, MedGen C0039585, MONDO:0019154, OMIM 300068. Disease mechanism: loss of function.
Kennedy disease (SMAX1). Also called: SPINAL AND BULBAR MUSCULAR ATROPHY, X-LINKED 1; Spinal and Bulbar Muscular Atrophy; KENNEDY SPINAL AND BULBAR MUSCULAR ATROPHY. Identifiers: Orphanet 481, MedGen C1839259, MONDO:0010735, OMIM 313200.

Submissions (2):

Labcorp Genetics (formerly Invitae), Labcorp
Classification: Pathogenic for Kennedy disease; Androgen resistance syndrome. Last evaluated: 2023-08-02. Review status: criteria provided, single submitter. Criteria: Invitae Variant Classification Sherloc (09022015). Collection method: clinical testing. Allele origin: germline.
Comment: This variant is also known as p.Met749Val. This missense change has been observed in individual(s) with complete androgen insensitivity syndrome (PMID: 1487249, 22334387). This variant is not present in population databases (gnomAD no frequency). This sequence change replaces methionine, which is neutral and non-polar, with valine, which is neutral and non-polar, at codon 750 of the AR protein (p.Met750Val). This variant disrupts the p.Met750 amino acid residue in AR. Other variant(s) that disrupt this residue have been observed in individuals with AR-related conditions (PMID: 13680382), which suggests that this may be a clinically significant amino acid residue. Advanced modeling of protein sequence and biophysical properties (such as structural, functional, and spatial information, amino acid conservation, physicochemical variation, residue mobility, and thermodynamic stability) has been performed at Invitae for this missense variant, however the output from this modeling did not meet the statistical confidence thresholds required to predict the impact of this variant on AR protein function. ClinVar contains an entry for this variant (Variation ID: 426560). For these reasons, this variant has been classified as Pathogenic.

GeneDx
Classification: Pathogenic. Last evaluated: 2018-03-05. Review status: criteria provided, single submitter. Criteria: GeneDx Variant Classification (06012015). Collection method: clinical testing. Allele origin: germline. Affected: yes.
Comment: The M750V missense variant in the AR gene has been reported previously using alternate nomenclature in association with complete androgen insensitivity syndrome (CAIS) (Jakubiczka et al, 1992). A functional study showed that the M750V variant (reported using alternate nomenclature) showed weak sensitivity to physiological concentrations of DHT and induced an estrogenic profile in M750V-transfected cells (Thin et al., 2003). The M750V variant is not observed in large population cohorts (Exome Variant Server).

Literature cited by the submitters: PubMed 1487249 (cited by Labcorp Genetics (formerly Invitae), Labcorp); PubMed 22334387 (cited by Labcorp Genetics (formerly Invitae), Labcorp); PubMed 13680382 (cited by Labcorp Genetics (formerly Invitae), Labcorp).

NM_000044.6(AR):c.2248A>G (p.Met750Val)

Gene: AR (androgen receptor; plus strand). Cytogenetic location: Xq12.
Variant type: single nucleotide variant.
Coding change: c.2248A>G on transcript NM_000044.6 (MANE Select); coding-DNA position 2248, A replaced by G.
Protein change: p.Met750Val; replaces methionine 750 with valine.
Molecular consequence: missense variant.
Genome position (GRCh38, 1-based): chrX:67,717,552, A>G. VCF-style: chrX-67717552-A-G. GRCh37 (hg19) VCF-style: chrX-66937394-A-G.
Other names: c.652A>G, p.Met218Val (NM_001011645.3); short protein forms M750V, M218V.
Identifiers: ClinVar variation 426560 (VCV000426560.5), dbSNP rs1085307685, ClinGen allele CA413424646.
Genomic context (GRCh38, chrX:67,717,552, plus strand): 5'-CACGTGGACGACCAGATGGCTGTCATTCAGTACTCCTGGATGGGGCTCATGGTGTTTGCC[A>G]TGGGCTGGCGATCCTTCACCAATGTCAACTCCAGGATGCTCTACTTCGCCCCTGATCTGG-3'
Protein context (NP_000035.2, residues 740-760): YSWMGLMVFA[Met750Val]GWRSFTNVNS